The following is an entry in ClinVar:

ClinVar aggregate classification (germline): Conflicting classifications of pathogenicity. Review status: criteria provided, conflicting classifications (1 of 4 stars). 17 submissions from 17 submitters: Pathogenic (4); Likely pathogenic (12); Uncertain significance (1). Last evaluated 2026-05-14.

Conditions:
PKD1-related disorder. Also called: PKD1-related condition.
Inborn genetic diseases. Identifiers: MedGen C0950123, MeSH D030342.
Polycystic kidney disease, adult type (PKD1). Also called: Polycystic Kidney Disease 1, Autosomal Dominant; Polycystic kidney disease 1; Polycystic kidney disease 1, severe; POLYCYSTIC KIDNEY DISEASE, ADULT, TYPE I; Polycystic Kidney, Autosomal Dominant; POLYCYSTIC KIDNEY DISEASE 1 WITH OR WITHOUT POLYCYSTIC LIVER DISEASE. Identifiers: MedGen C3149841, MONDO:0008263, OMIM 173900.

Allele frequency attached by ClinVar (database versions not stated): ExAC 0.00001; gnomAD exomes 0.00001; gnomAD 0.00001; TOPMed 0.00001.
gnomAD v4.1: 7 of 1,608,974 alleles (0.00044%); highest among the groups gnomAD compares: Non-Finnish European, 0.00042%; no homozygotes.

Submissions 1 to 9 of 17:

GeneDx
Classification: Likely pathogenic. Last evaluated: 2026-05-14. Review status: criteria provided, single submitter. Criteria: GeneDx Variant Classification Process June 2021. Collection method: clinical testing. Allele origin: germline.
Comment: Not observed at significant frequency in large population cohorts (gnomAD); In silico analysis suggests that this missense variant does not alter protein structure/function; This variant is associated with the following publications: (PMID: 30820006, 31740684, 33639313, 23300259, 23431072, 35778421, 35325889, 36833371, 27753196, 37509056, 26823553, 27499327, 39291187, 37543885, 39888183, 26453610)

PreventionGenetics, part of Exact Sciences
Classification: Pathogenic for PKD1-related condition. Last evaluated: 2026-03-09. Review status: criteria provided, single submitter. Criteria: ACMG Guidelines, 2015. Collection method: clinical testing. Allele origin: germline.
Comment: The PKD1 c.6643C>T variant is predicted to result in the amino acid substitution p.Arg2215Trp. This variant has been reported in individuals with autosomal dominant polycystic kidney disease (ADPKD) (Neumann et al. 2013. PubMed ID: 23300259; Table S1, Cornec-Le Gall et al. 2013. PubMed ID: 23431072; Table S2, Heyer et al. 2016. PubMed ID: 26823553; Table S3 & S6, Hwang et al. 2016. PubMed ID: 26453610; Table S6C, Kim et al. 2019. PubMed ID: 31740684; Nielsen et al. 2021. PubMed ID: 33639313). In addition, at PreventionGenetics, we have found this variant in multiple presumably unrelated individuals tested for polycystic kidney disease (internal data). This variant is reported in 0.0019% of alleles in individuals of European (Non-Finnish) descent in gnomAD. This variant is interpreted as pathogenic.

Dasa
Classification: Likely pathogenic for Polycystic kidney disease, adult type. Last evaluated: 2026-03-05. Review status: criteria provided, single submitter. Criteria: DASA Assertion Criteria. Collection method: clinical testing. Allele origin: germline.
Comment: NM_001009944.3(PKD1):c.6643C>T (p.Arg2215Trp) is a missense variant that results in the substitution of arginine with tryptophan. This variant has been reported in individuals with Polycystic kidney disease, adult type. Also, this variant is rare in population databases. Computational evidence supports a deleterious effect. Based on the currently available evidence, this variant is classified as likely pathogenic.

Variantyx, Inc.
Classification: Likely pathogenic for Polycystic kidney disease, adult type. Last evaluated: 2025-06-27. Review status: criteria provided, single submitter. Criteria: Variantyx Assertion Criteria 2022. Collection method: clinical testing. Allele origin: germline. Inheritance: Autosomal dominant inheritance. Affected: yes.
Comment: This is a nonsynonymous variant in the PKD1 gene (OMIM: 601313). Pathogenic variants in this gene have been associated with autosomal dominant polycystic kidney disease 1. This variant has been reported in several unrelated affected individuals (PMID: 23300259, 23431072, 30820006, 31740684 ) (PS4). Multiple computational algorithms predict a deleterious effect for this variant (REVEL score: 0.808) (PP3). This variant has a 0.0004% maximum allele frequency in non-founder control populations (PM2). Based on the current evidence, this variant is classified as likely pathogenic for autosomal dominant polycystic kidney disease 1.

Women's Health and Genetics/Laboratory Corporation of America, LabCorp
Classification: Pathogenic for Polycystic kidney disease, adult type. Last evaluated: 2025-04-08. Review status: criteria provided, single submitter. Criteria: LabCorp Variant Classification Summary - May 2015. Collection method: clinical testing. Allele origin: germline.
Comment: Variant summary: PKD1 c.6643C>T (p.Arg2215Trp) results in a non-conservative amino acid change in the encoded protein sequence. Four of five in-silico tools predict a damaging effect of the variant on protein function. The variant allele was found at a frequency of 8.4e-06 in 239264 control chromosomes. c.6643C>T has been reported in the literature in the heterozygous sate in multiple individuals affected with autosomal dominant Polycystic Kidney Disease (Yu_2022, Neumann_2013, Kim_2019). These data indicate that the variant is very likely to be associated with disease. The following publications have been ascertained in the context of this evaluation (PMID: 31740684, 23300259, 35778421). ClinVar contains an entry for this variant (Variation ID: 805173). Based on the evidence outlined above, the variant was classified as pathogenic for autosomal dominant Polycystic Kidney Disease and autosomal recessive Polycystic Kidney Disease.

Victorian Clinical Genetics Services, Murdoch Childrens Research Institute
Classification: Likely pathogenic for Polycystic kidney disease, adult type. Last evaluated: 2024-12-02. Review status: criteria provided, single submitter. Criteria: ACMG Guidelines, 2015. Collection method: clinical testing. Allele origin: germline. Affected: yes.
Comment: This variant is classified as Likely pathogenic. Evidence in support of pathogenic classification: Variant is present in gnomAD (v2, v3) <0.001 for a dominant condition (4 heterozygotes, 0 homozygotes); This variant has strong previous evidence of pathogenicity in unrelated individuals. This variant has been reported as a VUS but has also been reported in at least ten individuals with polycystic kidney disease (ClinVar; PMID: 23431072, 27499327, 27753196, 31740684, 33639313, 36833371, 35778421). Additional information: Variant is predicted to result in a missense amino acid change from arginine to tryptophan; This gene is associated with autosomal dominant disease. Polycystic kidney disease 1 (MIM#173900) is predominantly caused by monoallelic variants, with rare reports of biallelic variants causing disease (OMIM); Multiple alternative amino acid changes at the same position have been observed in gnomAD (v3) (highest allele count: 3 heterozygotes, 0 homozygotes); Another missense variant comparable to the one identified in this case has conflicting previous evidence for pathogenicity. This alternative change (p.(Arg2215Gln)) has been observed once in a cohort with polycystic kidney disease (PKD); however, this individual also harboured another missense variant. This variant has also been described as likely benign (PMID: 22383692); Variant is located in the annotated REJ module (DECIPHER); Missense variant with conficting in silico predictions and uninformative conservation; Loss of function is a known mechanism of disease in this gene and is associated with polycystic kidney disease 1 (MIM#173900).

Genetic Services Laboratory, University of Chicago
Classification: Likely pathogenic. Last evaluated: 2024-07-18. Review status: criteria provided, single submitter. Criteria: ACMG Guidelines, 2015. Collection method: clinical testing. Allele origin: germline. Affected: yes.
Comment: DNA sequence analysis of the PKD1 gene demonstrated a sequence change, c.6643C>T, in exon 15 that results in an amino acid change, p.Arg2215Trp. This sequence change has been reported in several individuals with Autosomal Dominant Polycystic Kidney Disease (ADPKD) (PMID: 23300259, 23431072, 31740684, 33639313, 30820006). This sequence change has been described in the gnomAD database with a frequency of 0.0004% in the overall population (dbSNP rs752793757). The prevalence of this sequence change in affected individuals has been determined to be significantly increased compared to its prevalence in controls. The p.Arg2215Trp change affects a poorly conserved amino acid residue located in a domain of the PKD1 protein that is known to be functional. In-silico pathogenicity prediction tools (SIFT, PolyPhen2, Align GVGD, CADD) suggest that the p.Arg2215Trp substitution may be deleterious on protein function. Based on these collective evidences, this sequence change is classified as likely pathogenic.

Department of Pathology and Laboratory Medicine, Sinai Health System
Classification: Uncertain significance for Polycystic kidney disease, adult type. Last evaluated: 2024-02-06. Review status: criteria provided, single submitter. Criteria: ACMG Guidelines, 2015. Collection method: clinical testing. Allele origin: germline. Affected: yes.

Ambry Genetics
Classification: Pathogenic for Inborn genetic diseases. Last evaluated: 2024-01-17. Review status: criteria provided, single submitter. Criteria: Ambry Variant Classification Scheme 2023. Collection method: clinical testing. Allele origin: germline.
Comment: The c.6643C>T (p.R2215W) alteration is located in exon 15 (coding exon 15) of the PKD1 gene. This alteration results from a C to T substitution at nucleotide position 6643, causing the arginine (R) at amino acid position 2215 to be replaced by a tryptophan (W). Based on data from gnomAD, the T allele has an overall frequency of 0.001% (2/239264) total alleles studied. The highest observed frequency was 0.002% (2/105638) of European (non-Finnish) alleles. This alteration has been detected in multiple individuals with clinical features of PKD1-related polycystic kidney disease (Suzuki, 2023; Yu, 2022; Hosseinpour, 2022; Nielsen, 2021; Berckmoes, 2019; Kim, 2019; Mochizuki, 2019; Hwang, 2016; Neumann, 2013; Cornec-Le Gall, 2013). This alteration is predicted to be tolerated by in silico analysis. Based on the available evidence, this alteration is classified as pathogenic.

NM_001009944.3(PKD1):c.6643C>T (p.Arg2215Trp)

Gene: PKD1 (polycystin 1, transient receptor potential channel interacting; minus strand). Cytogenetic location: 16p13.3.
Variant type: single nucleotide variant.
Coding change: c.6643C>T on transcript NM_001009944.3 (MANE Select); coding-DNA position 6643, C replaced by T.
Protein change: p.Arg2215Trp; replaces arginine 2215 with tryptophan.
Molecular consequence: missense variant.
Genome position (GRCh38, 1-based): chr16:2,108,524, G>A on the plus strand (C>T on the coding strand, the complement: PKD1 is on the minus strand). VCF-style: chr16-2108524-G-A. GRCh37 (hg19) VCF-style: chr16-2158525-G-A.
Other names: c.6643C>T, p.Arg2215Trp (NM_000296.4); short protein forms R2215W.
Identifiers: ClinVar variation 805173 (VCV000805173.30), dbSNP rs752793757, ClinGen allele CA7831524.
Genomic context (GRCh38, chr16:2,108,524, plus strand): 5'-ACACGACAAACACAAAGCAGTAGTGCCCCACAGGCAGCGCCAGCCGCGGCAGCACCAGCC[G>A]AGGCCGGCTCACGTCCACGCCGGGCAGGGCCACACGCGCTGGGCGCCCCGGCCGCTGGCA-3'
Protein context (NP_001009944.3, residues 2205-2225): ALPGVDVSRP[Arg2215Trp]LVLPRLALPV